The following is an entry in ClinVar:

ClinVar aggregate classification (germline): Uncertain significance (1 of 4 stars; one submission).

Conditions:
Hereditary sensory and autonomic neuropathy type 7. Also called: Neuropathy, hereditary sensory and autonomic, type VII; HSAN VII. Identifiers: Orphanet 391397, MedGen C3809882, MONDO:0014244, OMIM 615548.
Familial episodic pain syndrome with predominantly lower limb involvement. Also called: Episodic pain syndrome, familial, 3. Identifiers: Orphanet 391384, Orphanet 391392, MedGen C3809899, MONDO:0014247, OMIM 615552.

gnomAD v4.1: 17 of 1,610,844 alleles (0.0011%); highest among the groups gnomAD compares: Non-Finnish European, 0.0013%; no homozygotes.

Submission:

Labcorp Genetics (formerly Invitae), Labcorp
Classification: Uncertain significance for Familial episodic pain syndrome with predominantly lower limb involvement; Hereditary sensory and autonomic neuropathy type 7. Last evaluated: 2025-04-29. Review status: criteria provided, single submitter. Criteria: Invitae Variant Classification Sherloc (09022015). Collection method: clinical testing. Allele origin: germline.
Comment: This sequence change replaces alanine, which is neutral and non-polar, with valine, which is neutral and non-polar, at codon 1246 of the SCN11A protein (p.Ala1246Val). This variant is present in population databases (rs757061261, gnomAD 0.005%). This variant has not been reported in the literature in individuals affected with SCN11A-related conditions. ClinVar contains an entry for this variant (Variation ID: 3758195). Invitae Evidence Modeling of protein sequence and biophysical properties (such as structural, functional, and spatial information, amino acid conservation, physicochemical variation, residue mobility, and thermodynamic stability) indicates that this missense variant is expected to disrupt SCN11A protein function with a positive predictive value of 80%. In summary, the available evidence is currently insufficient to determine the role of this variant in disease. Therefore, it has been classified as a Variant of Uncertain Significance.

NM_001349253.2(SCN11A):c.3737C>T (p.Ala1246Val)

Genes: SCN11A (sodium voltage-gated channel alpha subunit 11; minus strand), LOC126806652 (CDK7 strongly-dependent group 2 enhancer GRCh37_chr3:38912374-38913573; plus strand). Cytogenetic location: 3p22.2.
Variant type: single nucleotide variant.
Coding change: c.3737C>T on transcript NM_001349253.2 (MANE Select); coding-DNA position 3737, C replaced by T.
Protein change: p.Ala1246Val; replaces alanine 1246 with valine.
Molecular consequence: missense variant.
Genome position (GRCh38, 1-based): chr3:38,871,467, G>A on the plus strand (C>T on the coding strand, the complement: SCN11A is on the minus strand). VCF-style: chr3-38871467-G-A. GRCh37 (hg19) VCF-style: chr3-38912958-G-A.
Other names: c.3737C>T, p.Ala1246Val (NM_014139.3); short protein forms A1246V.
Identifiers: ClinVar variation 3758195 (VCV003758195.2).